The following is an entry in ClinVar:

NM_199420.4(POLQ):c.1911A>C (p.Arg637Ser)

Gene: POLQ (DNA polymerase theta; minus strand). Cytogenetic location: 3q13.33.
Variant type: single nucleotide variant.
Coding change: c.1911A>C on transcript NM_199420.4 (MANE Select); coding-DNA position 1911, A replaced by C.
Protein change: p.Arg637Ser; replaces arginine 637 with serine.
Molecular consequence: missense variant.
Genome position (GRCh38, 1-based): chr3:121,509,609, T>G on the plus strand (A>C on the coding strand, the complement: POLQ is on the minus strand). VCF-style: chr3-121509609-T-G. GRCh37 (hg19) VCF-style: chr3-121228456-T-G.
Other names: short protein forms R637S.
Identifiers: ClinVar variation 3308563 (VCV003308563.1).

ClinVar aggregate classification (germline): Uncertain significance (1 of 4 stars; one submission).

Submission:

Ambry Genetics
Classification: Uncertain significance. Last evaluated: 2024-04-05. Review status: criteria provided, single submitter. Criteria: Ambry Variant Classification Scheme 2023. Collection method: clinical testing. Allele origin: germline.
Comment: The p.R637S variant (also known as c.1911A>C), located in coding exon 12 of the POLQ gene, results from an A to C substitution at nucleotide position 1911. The arginine at codon 637 is replaced by serine, an amino acid with dissimilar properties. This amino acid position is conserved. In addition, the in silico prediction for this alteration is inconclusive. Based on the available evidence, the clinical significance of this variant remains unclear.